The following is an entry in ClinVar:

ClinVar aggregate classification (germline): Conflicting classifications of pathogenicity. Review status: criteria provided, conflicting classifications (1 of 4 stars). 2 submissions from 2 submitters: Uncertain significance (1); Likely benign (1). Last evaluated 2026-08-12.

Conditions:
Cardiovascular phenotype. Identifiers: MedGen CN230736.
Arrhythmogenic right ventricular dysplasia 12. Also called: ARRHYTHMOGENIC RIGHT VENTRICULAR DYSPLASIA, FAMILIAL, 12. Identifiers: MedGen C1969081, MONDO:0012684, OMIM 611528.
Naxos disease (NXD). Also called: KERATOSIS PALMOPLANTARIS WITH ARRHYTHMOGENIC CARDIOMYOPATHY; MAL DE NAXOS; PALMOPLANTAR KERATODERMA WITH ARRHYTHMOGENIC RIGHT VENTRICULAR CARDIOMYOPATHY AND WOOLLY HAIR; WOOLLY HAIR, PALMOPLANTAR KERATODERMA, AND CARDIAC ABNORMALITIES; CARDIOMYOPATHY, ARRHYTHMOGENIC RIGHT VENTRICULAR, WITH SKIN, HAIR, AND NAIL ABNORMALITIES. Identifiers: Orphanet 34217, MedGen C1832600, MONDO:0011017, OMIM 601214.

gnomAD v4.1: 1 of 1,613,364 alleles (0.000062%); highest among the groups gnomAD compares: Non-Finnish European, 0.000085%; no homozygotes.

Submissions (2):

Ambry Genetics
Classification: Likely benign for Cardiovascular phenotype. Last evaluated: 2026-08-12. Review status: criteria provided, single submitter. Criteria: Ambry Variant Classification Scheme 2023. Collection method: clinical testing. Allele origin: germline.

Labcorp Genetics (formerly Invitae), Labcorp
Classification: Uncertain significance for Arrhythmogenic right ventricular dysplasia 12; Naxos disease. Last evaluated: 2022-11-29. Review status: criteria provided, single submitter. Criteria: Invitae Variant Classification Sherloc (09022015). Collection method: clinical testing. Allele origin: germline.
Comment: In summary, the available evidence is currently insufficient to determine the role of this variant in disease. Therefore, it has been classified as a Variant of Uncertain Significance. Algorithms developed to predict the effect of missense changes on protein structure and function (SIFT, PolyPhen-2, Align-GVGD) all suggest that this variant is likely to be tolerated. ClinVar contains an entry for this variant (Variation ID: 660124). This variant has not been reported in the literature in individuals affected with JUP-related conditions. This variant is not present in population databases (gnomAD no frequency). This sequence change replaces valine, which is neutral and non-polar, with methionine, which is neutral and non-polar, at codon 65 of the JUP protein (p.Val65Met).

NM_002230.4(JUP):c.193G>A (p.Val65Met)

Gene: JUP (junction plakoglobin; minus strand). Cytogenetic location: 17q21.2.
Variant type: single nucleotide variant.
Coding change: c.193G>A on transcript NM_002230.4 (MANE Select); coding-DNA position 193, G replaced by A.
Protein change: p.Val65Met; replaces valine 65 with methionine.
Molecular consequence: missense variant.
Genome position (GRCh38, 1-based): chr17:41,771,662, C>T on the plus strand (G>A on the coding strand, the complement: JUP is on the minus strand). VCF-style: chr17-41771662-C-T. GRCh37 (hg19) VCF-style: chr17-39927914-C-T.
Other names: c.193G>A, p.Val65Met (NM_001352773.2, NM_001352774.2, NM_001352775.2 and 3 more transcripts); short protein forms V65M.
Identifiers: ClinVar variation 660124 (VCV000660124.9), dbSNP rs727503100, ClinGen allele CA399506588.